The following is an entry in ClinVar:

ClinVar aggregate classification (germline): Likely pathogenic (1 of 4 stars; one submission).

Conditions:
Microcephaly 1, primary, autosomal recessive (MCPH1). Also called: PREMATURE CHROMOSOME CONDENSATION SYNDROME; PCC SYNDROME; PREMATURE CHROMOSOME CONDENSATION WITH MICROCEPHALY AND MENTAL RETARDATION. Identifiers: Orphanet 2512, MedGen C1855081, MONDO:0009617, OMIM 251200.

Submission:

Myriad Genetics, Inc.
Classification: Likely pathogenic for Microcephaly 1, primary, autosomal recessive. Last evaluated: 2025-05-20. Review status: criteria provided, single submitter. Criteria: Myriad Autosomal Dominant, Autosomal Recessive and X-Linked Classification Criteria (2023). Collection method: clinical testing. Allele origin: unknown.
Comment: NM_024596.3(MCPH1):c.22+2T>A is a variant in a canonical splice site classified as likely pathogenic in the context of primary microcephaly, MCPH1-related. c.22+2T>A has not been observed in cases with relevant disease. Relevant functional assessments of this variant are not available in the literature. c.22+2T>A has not been observed in referenced population frequency databases. In summary, NM_024596.3(MCPH1):c.22+2T>A is a variant in a canonical splice site in a gene where loss of function is a known mechanism of disease and is predicted to disrupt protein function. Please note: this variant was assessed in the context of healthy population screening.

NM_024596.5(MCPH1):c.22+2T>A

Gene: MCPH1 (microcephalin 1; plus strand). Cytogenetic location: 8p23.1.
Variant type: single nucleotide variant.
Coding change: c.22+2T>A on transcript NM_024596.5 (MANE Select); the canonical splice donor site of the intron after coding-DNA position 22, T replaced by A.
Molecular consequence: splice donor variant.
Genome position (GRCh38, 1-based): chr8:6,406,691, T>A. VCF-style: chr8-6406691-T-A. GRCh37 (hg19) VCF-style: chr8-6264212-T-A.
Other names: c.22+2T>A (NM_001322042.2, NM_001363980.2, NM_001363979.1 and 5 more transcripts).
Identifiers: ClinVar variation 4081731 (VCV004081731.1).
Genomic context (GRCh38, chr8:6,406,691, plus strand): 5'-ACCGCGTAGGCCAGCTGGCCGGATCCCGCCGTCTGTCATGGCGGCCCCCATCCTGAAAGG[T>A]GAGGTACTTCCTGCTGCCTGCTCCAGCAGCGGGAGTTTGAGGACCGGCACCCCTCGTCGC-3'